The following is an entry in ClinVar:

ClinVar aggregate classification (germline): Conflicting classifications of pathogenicity. Review status: criteria provided, conflicting classifications (1 of 4 stars). 4 submissions from 4 submitters: Uncertain significance (3); Likely benign (1). Last evaluated 2025-07-28.

Conditions:
Inborn genetic diseases. Identifiers: MedGen C0950123, MeSH D030342.

Allele frequency attached by ClinVar (database versions not stated): 1000 Genomes Project 30x 0.00016; TOPMed 0.00029.
gnomAD v4.1: 54 of 1,577,694 alleles (0.0034%); highest among the groups gnomAD compares: African/African-American, 0.05%; no homozygotes.

Submissions (4):

Labcorp Genetics (formerly Invitae), Labcorp
Classification: Uncertain significance. Last evaluated: 2025-07-28. Review status: criteria provided, single submitter. Criteria: Invitae Variant Classification Sherloc (09022015). Collection method: clinical testing. Allele origin: germline.
Comment: This sequence change replaces proline, which is neutral and non-polar, with arginine, which is basic and polar, at codon 1441 of the TUBGCP6 protein (p.Pro1441Arg). This variant is present in population databases (rs201730639, gnomAD 0.03%). This variant has not been reported in the literature in individuals affected with TUBGCP6-related conditions. ClinVar contains an entry for this variant (Variation ID: 933540). An algorithm developed to predict the effect of missense changes on protein structure and function (PolyPhen-2) suggests that this variant is likely to be disruptive. In summary, the available evidence is currently insufficient to determine the role of this variant in disease. Therefore, it has been classified as a Variant of Uncertain Significance.

Blueprint Genetics
Classification: Likely benign. Last evaluated: 2024-07-02. Review status: criteria provided, single submitter. Criteria: ACMG Guidelines, 2015. Collection method: clinical testing. Allele origin: germline.

Ambry Genetics
Classification: Uncertain significance for Inborn genetic diseases. Last evaluated: 2024-02-13. Review status: criteria provided, single submitter. Criteria: Ambry Variant Classification Scheme 2023. Collection method: clinical testing. Allele origin: germline.

GeneDx
Classification: Uncertain significance. Last evaluated: 2022-03-28. Review status: criteria provided, single submitter. Criteria: GeneDx Variant Classification Process June 2021. Collection method: clinical testing. Allele origin: germline. Affected: yes.
Comment: In silico analysis supports that this missense variant has a deleterious effect on protein structure/function; Has not been previously published as pathogenic or benign to our knowledge

NM_020461.4(TUBGCP6):c.4322C>G (p.Pro1441Arg)

Gene: TUBGCP6 (tubulin gamma complex component 6; minus strand). Cytogenetic location: 22q13.33.
Variant type: single nucleotide variant.
Coding change: c.4322C>G on transcript NM_020461.4 (MANE Select); coding-DNA position 4322, C replaced by G.
Protein change: p.Pro1441Arg; replaces proline 1441 with arginine.
Molecular consequence: missense variant.
Genome position (GRCh38, 1-based): chr22:50,219,450, G>C on the plus strand (C>G on the coding strand, the complement: TUBGCP6 is on the minus strand). VCF-style: chr22-50219450-G-C. GRCh37 (hg19) VCF-style: chr22-50657879-G-C.
Other names: short protein forms P1441R.
Identifiers: ClinVar variation 933540 (VCV000933540.9), dbSNP rs201730639, ClinGen allele CA10307545.